The following is an entry in ClinVar:

ClinVar aggregate classification (germline): Uncertain significance (1 of 4 stars; one submission).

Conditions:
Combined oxidative phosphorylation defect type 27. Also called: Combined oxidative phosphorylation deficiency 27. Identifiers: Orphanet 477774, MedGen C5567608, MONDO:0014728, OMIM 616672.

Submission:

Labcorp Genetics (formerly Invitae), Labcorp
Classification: Uncertain significance for Combined oxidative phosphorylation defect type 27. Last evaluated: 2022-09-21. Review status: criteria provided, single submitter. Criteria: Invitae Variant Classification Sherloc (09022015). Collection method: clinical testing. Allele origin: germline.
Comment: This variant, c.1486_1497del, results in the deletion of 4 amino acid(s) of the CARS2 protein (p.Lys496_Gln499del), but otherwise preserves the integrity of the reading frame. This variant is not present in population databases (gnomAD no frequency). This variant has not been reported in the literature in individuals affected with CARS2-related conditions. Experimental studies and prediction algorithms are not available or were not evaluated, and the functional significance of this variant is currently unknown. In summary, the available evidence is currently insufficient to determine the role of this variant in disease. Therefore, it has been classified as a Variant of Uncertain Significance.

NM_024537.4(CARS2):c.1486_1497del (p.Lys496_Gln499del)

Gene: CARS2 (cysteinyl-tRNA synthetase 2, mitochondrial; minus strand). Cytogenetic location: 13q34.
Variant type: Deletion.
Coding change: c.1486_1497del on transcript NM_024537.4 (MANE Select); coding-DNA positions 1486 to 1497, 12 bases deleted (AAGGTCCGGCAG).
Protein change: p.Lys496_Gln499del.
Molecular consequence: inframe deletion. On other transcripts: non-coding transcript variant (2).
Genome position (GRCh38, 1-based): chr13:110,642,441-110,642,452, CTGCCGGACCTT deleted on the plus strand (AAGGTCCGGCAG on the coding strand, the reverse complement: CARS2 is on the minus strand); deleting any 12 consecutive bases within chr13:110,642,441-110,642,460 gives the same sequence; the c. name uses the placement nearest the transcript's 3' end. VCF-style (leftmost placement, unchanged base first): chr13-110642440-ACTGCCGGACCTT-A. GRCh37 (hg19) VCF-style: chr13-111294787-ACTGCCGGACCTT-A.
Other names: c.700_711del, p.Lys234_Gln237del (NM_001352252.2).
Identifiers: ClinVar variation 1346937 (VCV001346937.5), dbSNP rs1018661935, ClinGen allele CA256322523.
Genomic context (GRCh38, chr13:110,642,440, plus strand): 5'-GCCTTTCTAGGAGCTGCTGCCGCCGGGCGTCCCCCGTGGCCTCGGGCATGGCCAGCGCAA[ACTGCCGGACCTT>A]CTGCCGGAACCGCACCAGCTCGTCCACCACACCATGCAAGGTAGCCTCGCTGCCGTCTCC-3'